The following is an entry in ClinVar:

ClinVar aggregate classification (germline): Uncertain significance. Review status: criteria provided, multiple submitters, no conflicts (2 of 4 stars). 2 submissions from 2 submitters: Uncertain significance (2). Last evaluated 2025-12-03.

Allele frequency attached by ClinVar (database versions not stated): gnomAD 0.00001; TOPMed 0.00001.
gnomAD v4.1: 1 of 1,584,270 alleles (0.000063%); highest among the groups gnomAD compares: Non-Finnish European, 0.000086%; no homozygotes.

Submissions (2):

Labcorp Genetics (formerly Invitae), Labcorp
Classification: Uncertain significance. Last evaluated: 2025-12-03. Review status: criteria provided, single submitter. Criteria: Invitae Variant Classification Sherloc (09022015). Collection method: clinical testing. Allele origin: germline.
Comment: This sequence change replaces lysine, which is basic and polar, with glutamine, which is neutral and polar, at codon 358 of the IRF2BP2 protein (p.Lys358Gln). This variant is not present in population databases (gnomAD no frequency). This variant has not been reported in the literature in individuals affected with IRF2BP2-related conditions. ClinVar contains an entry for this variant (Variation ID: 1354684). An algorithm developed to predict the effect of missense changes on protein structure and function (PolyPhen-2) suggests that this variant is likely to be disruptive. In summary, the available evidence is currently insufficient to determine the role of this variant in disease. Therefore, it has been classified as a Variant of Uncertain Significance.

Ambry Genetics
Classification: Uncertain significance. Last evaluated: 2023-12-26. Review status: criteria provided, single submitter. Criteria: Ambry Variant Classification Scheme 2023. Collection method: clinical testing. Allele origin: germline.

NM_182972.3(IRF2BP2):c.1072A>C (p.Lys358Gln)

Gene: IRF2BP2 (interferon regulatory factor 2 binding protein 2; minus strand). Cytogenetic location: 1q42.3.
Variant type: single nucleotide variant.
Coding change: c.1072A>C on transcript NM_182972.3 (MANE Select); coding-DNA position 1072, A replaced by C.
Protein change: p.Lys358Gln; replaces lysine 358 with glutamine.
Molecular consequence: missense variant.
Genome position (GRCh38, 1-based): chr1:234,607,829, T>G on the plus strand (A>C on the coding strand, the complement: IRF2BP2 is on the minus strand). VCF-style: chr1-234607829-T-G. GRCh37 (hg19) VCF-style: chr1-234743575-T-G.
Other names: c.1024A>C, p.Lys342Gln (NM_001077397.1); c.1072A>C (NM_182972.2); short protein forms K358Q, K342Q.
Identifiers: ClinVar variation 1354684 (VCV001354684.9), dbSNP rs1490733410, ClinGen allele CA345307121.